The following is an entry in ClinVar:

NM_001372051.1(CASP8):c.691A>T (p.Lys231Ter)

Gene: CASP8 (caspase 8; plus strand). Cytogenetic location: 2q33.1.
Variant type: single nucleotide variant.
Coding change: c.691A>T on transcript NM_001372051.1 (MANE Select); coding-DNA position 691, A replaced by T.
Protein change: p.Lys231Ter; replaces lysine 231 with a stop codon.
Molecular consequence: nonsense. On other transcripts: missense variant (1), non-coding transcript variant (21), intron variant (4).
Genome position (GRCh38, 1-based): chr2:201,276,857, A>T. VCF-style: chr2-201276857-A-T. GRCh37 (hg19) VCF-style: chr2-202141580-A-T.
Other names: c.94A>T, p.Lys32Ter (NM_001400672.1, NM_001400673.1, NM_001400750.1 and 1 more transcripts); c.76A>T, p.Lys26Ter (NM_001400674.1, NM_001400680.1); c.49A>T, p.Lys17Ter (NM_001400675.1, NM_001400676.1, NM_001400677.1 and 2 more transcripts); c.626A>T, p.Gln209Leu (NM_001400679.1); c.691A>T, p.Lys231Ter (NM_033355.4, NM_001400648.1, NM_001400651.1 and 6 more transcripts); c.646A>T, p.Lys216Ter (NM_033356.4, NM_001400658.1, NM_001400659.1 and 5 more transcripts); c.727+4081A>T (NM_001400665.1); c.550+4081A>T (NM_001400668.1, NM_001400667.1); and 7 more; short protein forms K128*, K17*, K208*, K216*, K231*, K242*, K248*, K26*.
Identifiers: ClinVar variation 4847516 (VCV004847516.1).

ClinVar aggregate classification (germline): Pathogenic (1 of 4 stars; one submission).

Conditions:
Autoimmune lymphoproliferative syndrome type 2B. Also called: AUTOIMMUNE LYMPHOPROLIFERATIVE SYNDROME, TYPE IIB. Identifiers: Orphanet 275517, MedGen C1846545, MONDO:0011804, OMIM 607271.

Submission:

Women's Health and Genetics/Laboratory Corporation of America, LabCorp
Classification: Pathogenic for Autoimmune lymphoproliferative syndrome type 2B. Last evaluated: 2026-03-30. Review status: criteria provided, single submitter. Criteria: LabCorp Variant Classification Summary - May 2015. Collection method: clinical testing. Allele origin: germline.
Comment: Variant summary: CASP8 c.742A>T (p.Lys248X) results in a premature termination codon, predicted to cause a truncation of the encoded protein or absence of the protein due to nonsense mediated decay, which are commonly known mechanisms for disease. The variant was absent in 251418 control chromosomes. To our knowledge, no occurrence of c.742A>T in individuals affected with CASP8-related conditions and no experimental evidence demonstrating its impact on protein function have been reported. No submitters have cited clinical-significance assessments for this variant to ClinVar. Based on the evidence outlined above, the variant was classified as pathogenic.